The following is an entry in ClinVar:

ClinVar aggregate classification (germline): Uncertain significance (1 of 4 stars; one submission).

Conditions:
Cardiovascular phenotype. Identifiers: MedGen CN230736.
Hereditary cancer-predisposing syndrome. Also called: Neoplastic Syndromes, Hereditary; Tumor predisposition; Hereditary Cancer Syndrome; Hereditary neoplastic syndrome. Identifiers: Orphanet 140162, MedGen C0027672, MeSH D009386, MONDO:0015356.

Submission:

Ambry Genetics
Classification: Uncertain significance for Cardiovascular phenotype; Hereditary cancer-predisposing syndrome. Last evaluated: 2026-03-31. Review status: criteria provided, single submitter. Criteria: Ambry Variant Classification Scheme 2023. Collection method: clinical testing. Allele origin: germline.
Comment: The p.I796F variant (also known as c.2386A>T), located in coding exon 20 of the LZTR1 gene, results from an A to T substitution at nucleotide position 2386. The isoleucine at codon 796 is replaced by phenylalanine, an amino acid with highly similar properties. This amino acid position is highly conserved in available vertebrate species. In addition, this alteration is predicted to be deleterious by in silico analysis. Based on the available evidence, the clinical significance of this variant remains unclear.

NM_006767.4(LZTR1):c.2386A>T (p.Ile796Phe)

Gene: LZTR1 (leucine zipper like post translational regulator 1; plus strand). Cytogenetic location: 22q11.21.
Variant type: single nucleotide variant.
Coding change: c.2386A>T on transcript NM_006767.4 (MANE Select); coding-DNA position 2386, A replaced by T.
Protein change: p.Ile796Phe; replaces isoleucine 796 with phenylalanine.
Molecular consequence: missense variant.
Genome position (GRCh38, 1-based): chr22:20,996,946, A>T. VCF-style: chr22-20996946-A-T. GRCh37 (hg19) VCF-style: chr22-21351235-A-T.
Other names: short protein forms I796F.
Identifiers: ClinVar variation 4859352 (VCV004859352.1).